The following is an entry in ClinVar:

ClinVar aggregate classification (germline): Uncertain significance (1 of 4 stars; one submission).

Submission:

Labcorp Genetics (formerly Invitae), Labcorp
Classification: Uncertain significance. Last evaluated: 2023-05-08. Review status: criteria provided, single submitter. Criteria: Invitae Variant Classification Sherloc (09022015). Collection method: clinical testing. Allele origin: germline.
Comment: Variants that disrupt the consensus splice site are a relatively common cause of aberrant splicing (PMID: 17576681, 9536098). Algorithms developed to predict the effect of sequence changes on RNA splicing suggest that this variant is not likely to affect RNA splicing. In summary, the available evidence is currently insufficient to determine the role of this variant in disease. Therefore, it has been classified as a Variant of Uncertain Significance. This variant has not been reported in the literature in individuals affected with SPTB-related conditions. This variant is present in population databases (rs760242710, gnomAD 0.003%). This sequence change falls in intron 3 of the SPTB gene. It does not directly change the encoded amino acid sequence of the SPTB protein. It affects a nucleotide within the consensus splice site.

Literature cited by the submitters: PubMed 17576681; PubMed 9536098.

NM_001355436.2(SPTB):c.474+6_474+12del

Gene: SPTB (spectrin beta, erythrocytic; minus strand). Cytogenetic location: 14q23.3.
Variant type: Deletion.
Coding change: c.474+6_474+12del on transcript NM_001355436.2 (MANE Select); bases 6 to 12 of the intron after coding-DNA position 474, 7 bases deleted (TTCCTGG; older notation c.474+6_474+12delTTCCTGG).
Molecular consequence: intron variant.
Genome position (GRCh38, 1-based): chr14:64,803,595-64,803,601, CCAGGAA deleted on the plus strand (TTCCTGG on the coding strand, the reverse complement: SPTB is on the minus strand); deleting any 7 consecutive bases within chr14:64,803,595-64,803,603 gives the same sequence; the c. name uses the placement nearest the transcript's 3' end. VCF-style (leftmost placement, unchanged base first): chr14-64803594-CCCAGGAA-C. GRCh37 (hg19) VCF-style: chr14-65270312-CCCAGGAA-C.
Other names: c.474+6_474+12del (NM_001024858.4, NM_001355437.2).
Identifiers: ClinVar variation 2994257 (VCV002994257.3), dbSNP rs760242710, ClinGen allele CA7231450.